The following is an entry in ClinVar:

NM_001378609.3(OTOGL):c.1187A>G (p.His396Arg)

Gene: OTOGL (otogelin like; plus strand). Cytogenetic location: 12q21.31.
Variant type: single nucleotide variant.
Coding change: c.1187A>G on transcript NM_001378609.3 (MANE Select); coding-DNA position 1187, A replaced by G.
Protein change: p.His396Arg; replaces histidine 396 with arginine.
Molecular consequence: missense variant.
Genome position (GRCh38, 1-based): chr12:80,252,103, A>G. VCF-style: chr12-80252103-A-G. GRCh37 (hg19) VCF-style: chr12-80645883-A-G.
Other names: c.1187A>G, p.His396Arg (NM_001368062.3, NM_001378610.3, NM_173591.7); short protein forms H396R.
Identifiers: ClinVar variation 2389443 (VCV002389443.5), dbSNP rs754384301, ClinGen allele CA6700389.

ClinVar aggregate classification (germline): Uncertain significance. Review status: criteria provided, multiple submitters, no conflicts (2 of 4 stars). 2 submissions from 2 submitters: Uncertain significance (2). Last evaluated 2025-03-05.

Conditions:
Inborn genetic diseases. Identifiers: MedGen C0950123, MeSH D030342.

Allele frequency attached by ClinVar (database versions not stated): gnomAD 0.00001; TOPMed 0.00002.
gnomAD v4.1: 20 of 1,555,146 alleles (0.0013%); highest among the groups gnomAD compares: South Asian, 0.0036%; no homozygotes.

Submissions (2):

GeneDx
Classification: Uncertain significance. Last evaluated: 2025-03-05. Review status: criteria provided, single submitter. Criteria: GeneDx Variant Classification Process June 2021. Collection method: clinical testing. Allele origin: germline.
Comment: In silico analysis supports that this missense variant has a deleterious effect on protein structure/function; Has not been previously published as pathogenic or benign to our knowledge

Ambry Genetics
Classification: Uncertain significance for Inborn genetic diseases. Last evaluated: 2024-09-25. Review status: criteria provided, single submitter. Criteria: Ambry Variant Classification Scheme 2023. Collection method: clinical testing. Allele origin: germline.